The following is an entry in ClinVar:

ClinVar aggregate classification (germline): Pathogenic. Review status: criteria provided, multiple submitters, no conflicts (2 of 4 stars). 2 submissions from 2 submitters: Pathogenic (2). Last evaluated 2023-12-10.

Conditions:
Wolfram syndrome 1 (WFS1). Identifiers: Orphanet 3463, MedGen C4551693, MONDO:0009101, OMIM 222300.

Allele frequency attached by ClinVar (database versions not stated): gnomAD exomes below 0.00001.

Submissions (2):

Labcorp Genetics (formerly Invitae), Labcorp
Classification: Pathogenic. Last evaluated: 2023-12-10. Review status: criteria provided, single submitter. Criteria: Invitae Variant Classification Sherloc (09022015). Collection method: clinical testing. Allele origin: germline.
Comment: This sequence change creates a premature translational stop signal (p.Cys847*) in the WFS1 gene. While this is not anticipated to result in nonsense mediated decay, it is expected to disrupt the last 44 amino acid(s) of the WFS1 protein. This variant is present in population databases (no rsID available, gnomAD 0.003%). This variant has not been reported in the literature in individuals affected with WFS1-related conditions. This variant disrupts a region of the WFS1 protein in which other variant(s) (p.Glu864Lys) have been determined to be pathogenic (PMID: 16648378, 17492394, 21917145, 29529044). This suggests that this is a clinically significant region of the protein, and that variants that disrupt it are likely to be disease-causing. For these reasons, this variant has been classified as Pathogenic.

Victorian Clinical Genetics Services, Murdoch Childrens Research Institute
Classification: Pathogenic for Wolfram syndrome 1. Last evaluated: 2023-07-16. Review status: criteria provided, single submitter. Criteria: ACMG Guidelines, 2015. Collection method: clinical testing. Allele origin: germline. Inheritance: Autosomal recessive inheritance. Affected: yes.
Comment: Based on the classification scheme VCGS_Germline_v1.3.4, this variant is classified as Pathogenic. Following criteria are met: 0102 - Loss of function is a known mechanism of disease in this gene and is associated with autosomal recessive Wolfram syndrome 1 (MIM#222300), and a dominant negative mechanism has also been suggested for heterozygous missense variants causing autosomal dominant Wolfram-like syndrome (MIM#614296) (PMID: 32219690). (I) 0108 - This gene is associated with both recessive and dominant disease. Wolfram syndrome 1 (MIM#222300) is recessive, whereas Wolfram-like syndrome (MIM#614296) is inherited in a dominant manner (OMIM). A clear genotype-phenotype correlation is currently not established. (I) 0205 - Variant is predicted to result in a truncated protein (premature termination codon is NOT located at least 54 nucleotides upstream of the final exon-exon junction) with less than 1/3 of the protein sequence affected. (SP) 0252 - This variant is homozygous. (I) 0304 - Variant is present in gnomAD (v2) <0.01 (1 heterozygote, 0 homozygotes). (SP) 0600 - Variant results in the loss of part of the annotated Wolframin C-terminal OB-fold domain (DECIPHER). (I) 0702 - Other truncating variants comparable to the one identified in this case have strong previous evidence for pathogenicity. These variants have been reported as likely pathogenic and pathogenic, and observed in multiple compound heterozygous individuals, and a single heterozygous individual, with Wolfram syndrome (ClinVar, PMID: 29850290, PMID: 21446023, PMID: 15277431, PMID: 31266054, PMID: 27395765). (SP) 0807 - This variant has no previous evidence of pathogenicity. (I) 0905 - No published segregation evidence has been identified for this variant. (I) 1007 - No published functional evidence has been identified for this variant. (I) 1102 - Strong phenotype match for this individual. (SP) 1208 - Inheritance information for this variant is not currently available in this individual. (I) Legend: (SP) - Supporting pathogenic, (I) - Information, (SB) - Supporting benign

Literature cited by the submitters: PubMed 16648378 (cited by Labcorp Genetics (formerly Invitae), Labcorp); PubMed 17492394 (cited by Labcorp Genetics (formerly Invitae), Labcorp); PubMed 21917145 (cited by Labcorp Genetics (formerly Invitae), Labcorp); PubMed 29529044 (cited by Labcorp Genetics (formerly Invitae), Labcorp); PubMed 15277431 (cited by Victorian Clinical Genetics Services, Murdoch Childrens Research Institute); PubMed 21446023 (cited by Victorian Clinical Genetics Services, Murdoch Childrens Research Institute); PubMed 27395765 (cited by Victorian Clinical Genetics Services, Murdoch Childrens Research Institute); PubMed 29850290 (cited by Victorian Clinical Genetics Services, Murdoch Childrens Research Institute); PubMed 31266054 (cited by Victorian Clinical Genetics Services, Murdoch Childrens Research Institute); PubMed 32219690 (cited by Victorian Clinical Genetics Services, Murdoch Childrens Research Institute).

NM_006005.3(WFS1):c.2536_2539dup (p.Cys847Ter)

Gene: WFS1 (wolframin ER transmembrane glycoprotein; plus strand). Cytogenetic location: 4p16.1.
Variant type: Duplication.
Coding change: c.2536_2539dup on transcript NM_006005.3 (MANE Select); coding-DNA positions 2536 to 2539, 4 bases duplicated (AGCT; older notation c.2536_2539dupAGCT).
Protein change: p.Cys847Ter; replaces cysteine 847 with a stop codon.
Molecular consequence: nonsense.
Genome position (GRCh38, 1-based): chr4:6,302,331-6,302,334, AGCT duplicated. VCF-style (leftmost placement, unchanged base first): chr4-6302330-C-CAGCT. GRCh37 (hg19) VCF-style: chr4-6304057-C-CAGCT.
Other names: c.2536_2539dup, p.Cys847Ter (NM_001145853.1); c.2536_2539dupAGCT (NM_006005.3); short protein forms C847*.
Identifiers: ClinVar variation 2702063 (VCV002702063.4), dbSNP rs1560422046, ClinGen allele CA549708053.